The following is an entry in ClinVar:

NM_198253.3(TERT):c.1439C>G (p.Ser480Cys)

Gene: TERT (telomerase reverse transcriptase; minus strand). Cytogenetic location: 5p15.33.
Variant type: single nucleotide variant.
Coding change: c.1439C>G on transcript NM_198253.3 (MANE Select); coding-DNA position 1439, C replaced by G.
Protein change: p.Ser480Cys; replaces serine 480 with cysteine.
Molecular consequence: missense variant. On other transcripts: non-coding transcript variant (2).
Genome position (GRCh38, 1-based): chr5:1,293,447, G>C on the plus strand (C>G on the coding strand, the complement: TERT is on the minus strand). VCF-style: chr5-1293447-G-C. GRCh37 (hg19) VCF-style: chr5-1293562-G-C.
Other names: c.1439C>G, p.Ser480Cys (NM_001193376.3, NM_003219.1); short protein forms S480C.
Identifiers: ClinVar variation 2927922 (VCV002927922.4), dbSNP rs776712013, ClinGen allele CA3184844.
Genomic context (GRCh38, chr5:1,293,447, plus strand): 5'-TGCTTCCCCAGGGAGATGAACTTCTTGGTGTTCCTGAGGAAGCGGCGTTCGTTGTGCCTG[G>C]AGCCCCAGAGGCCTGGGGGCACCAGCCGGCGCAGGCAGGCCCGCACGAAGCCGTACACCT-3'
Protein context (NP_937983.2, residues 470-490): RRLVPPGLWG[Ser480Cys]RHNERRFLRN

ClinVar aggregate classification (germline): Uncertain significance. Review status: criteria provided, multiple submitters, no conflicts (2 of 4 stars). 2 submissions from 2 submitters: Uncertain significance (2). Last evaluated 2025-07-23.

Conditions:
Dyskeratosis congenita, autosomal dominant 2. Identifiers: MedGen C3151443, MONDO:0013521, OMIM 613989.
Idiopathic Pulmonary Fibrosis. Also called: Idiopathic fibrosing alveolitis, chronic form; idiopathic fibrosing alveolitis. Identifiers: Orphanet 2032, MedGen C1800706, MeSH D054990, MONDO:0800504.
Dyskeratosis congenita. Identifiers: Orphanet 1775, MedGen C0265965, MONDO:0015780.

Allele frequency attached by ClinVar (database versions not stated): ExAC 0.00001.
gnomAD v4.1: 10 of 1,611,196 alleles (0.00062%); highest among the groups gnomAD compares: East Asian, 0.0022%; no homozygotes.

Submissions (2):

Ambry Genetics
Classification: Uncertain significance for Dyskeratosis congenita. Last evaluated: 2025-07-23. Review status: criteria provided, single submitter. Criteria: Ambry Variant Classification Scheme 2023. Collection method: clinical testing. Allele origin: germline.
Comment: The p.S480C variant (also known as c.1439C>G), located in coding exon 2 of the TERT gene, results from a C to G substitution at nucleotide position 1439. The serine at codon 480 is replaced by cysteine, an amino acid with dissimilar properties. This amino acid position is well conserved in available vertebrate species. In addition, the in silico prediction for this alteration is inconclusive. Based on the available evidence, the clinical significance of this variant remains unclear.

Labcorp Genetics (formerly Invitae), Labcorp
Classification: Uncertain significance for Dyskeratosis congenita, autosomal dominant 2; Idiopathic Pulmonary Fibrosis. Last evaluated: 2022-10-20. Review status: criteria provided, single submitter. Criteria: Invitae Variant Classification Sherloc (09022015). Collection method: clinical testing. Allele origin: germline.
Comment: This sequence change replaces serine, which is neutral and polar, with cysteine, which is neutral and slightly polar, at codon 480 of the TERT protein (p.Ser480Cys). This variant is present in population databases (rs776712013, gnomAD 0.0009%). This variant has not been reported in the literature in individuals affected with TERT-related conditions. Advanced modeling of protein sequence and biophysical properties (such as structural, functional, and spatial information, amino acid conservation, physicochemical variation, residue mobility, and thermodynamic stability) performed at Invitae indicates that this missense variant is expected to disrupt TERT protein function. In summary, the available evidence is currently insufficient to determine the role of this variant in disease. Therefore, it has been classified as a Variant of Uncertain Significance.